The following is an entry in ClinVar:

NM_001278293.3(ARL6):c.479+4_479+5del

Gene: ARL6 (ARF like GTPase 6; plus strand). Cytogenetic location: 3q11.2.
Variant type: Deletion.
Coding change: c.479+4_479+5del on transcript NM_001278293.3 (MANE Select); bases 4 to 5 of the intron after coding-DNA position 479, 2 bases deleted (AA; older notation c.479+4_479+5delAA).
Molecular consequence: intron variant.
Genome position (GRCh38, 1-based): chr3:97,788,123-97,788,124, AA deleted; deleting any 2 consecutive bases within chr3:97,788,122-97,788,124 gives the same sequence; the c. name uses the placement nearest the transcript's 3' end. VCF-style (leftmost placement, unchanged base first): chr3-97788121-TAA-T. GRCh37 (hg19) VCF-style: chr3-97506965-TAA-T.
Other names: c.479+4_479+5del (NM_032146.5, NM_177976.3, NM_001323513.2 and 1 more transcripts).
Identifiers: ClinVar variation 1385519 (VCV001385519.6), dbSNP rs1285267571, ClinGen allele CA784101200.
Genomic context (GRCh38, chr3:97,788,121, plus strand): 5'-GTAAAAGTGTCTCAGTTGCTGTGTTTAGAGAACATCAAAGATAAACCCTGGCATATTTGG[TAA>T]AGTTTTATATTTACTTTTCACTGTAGCTTTCTGAAAAATATACAAGCTTCAGAGTTGTTT-3'

ClinVar aggregate classification (germline): Uncertain significance (1 of 4 stars; one submission).

Conditions:
Bardet-Biedl syndrome 3 (BBS3). Identifiers: Orphanet 110, MedGen C1859564, MONDO:0010832, OMIM 600151.
Retinitis pigmentosa 55 (RP55). Identifiers: Orphanet 791, MedGen C3150808, MONDO:0013312, OMIM 613575.

Submission:

Labcorp Genetics (formerly Invitae), Labcorp
Classification: Uncertain significance for Retinitis pigmentosa 55; Bardet-Biedl syndrome 3. Last evaluated: 2023-05-08. Review status: criteria provided, single submitter. Criteria: Invitae Variant Classification Sherloc (09022015). Collection method: clinical testing. Allele origin: germline.
Comment: In summary, the available evidence is currently insufficient to determine the role of this variant in disease. Therefore, it has been classified as a Variant of Uncertain Significance. Variants that disrupt the consensus splice site are a relatively common cause of aberrant splicing (PMID: 17576681, 9536098). Algorithms developed to predict the effect of sequence changes on RNA splicing suggest that this variant may disrupt the consensus splice site. ClinVar contains an entry for this variant (Variation ID: 1385519). This variant has been observed in individual(s) with retinitis pigmentosa (Invitae). In at least one individual the data is consistent with being in trans (on the opposite chromosome) from a pathogenic variant. This variant is not present in population databases (gnomAD no frequency). This sequence change falls in intron 7 of the ARL6 gene. It does not directly change the encoded amino acid sequence of the ARL6 protein. It affects a nucleotide within the consensus splice site.

Literature cited by the submitters: PubMed 17576681; PubMed 9536098.